The following is an entry in ClinVar:

ClinVar aggregate classification (germline): Uncertain significance (1 of 4 stars; one submission).

Conditions:
Developmental and epileptic encephalopathy, 8 (DEE8). Also called: HYPEREKPLEXIA AND EPILEPSY. Identifiers: Orphanet 163985, Orphanet 2076, MedGen C1845102, MONDO:0010375, OMIM 300607.

Submission:

Clinical Genetics Laboratory, University Hospital Schleswig-Holstein
Classification: Uncertain significance for Developmental and epileptic encephalopathy, 8. Last evaluated: 2025-11-27. Review status: criteria provided, single submitter. Criteria: ACMG Guidelines, 2015. Collection method: clinical testing. Allele origin: maternal. Affected: yes. Observed: 1 hemizygote.
Comment: ACMG criteria applied: PM2, PP3, PP2

NM_001353921.2(ARHGEF9):c.443G>T (p.Ser148Ile)

Gene: ARHGEF9 (Cdc42 guanine nucleotide exchange factor 9; minus strand). Cytogenetic location: Xq11.1.
Variant type: single nucleotide variant.
Coding change: c.443G>T on transcript NM_001353921.2 (MANE Select); coding-DNA position 443, G replaced by T.
Protein change: p.Ser148Ile; replaces serine 148 with isoleucine.
Molecular consequence: missense variant.
Genome position (GRCh38, 1-based): chrX:63,697,264, C>A on the plus strand (G>T on the coding strand, the complement: ARHGEF9 is on the minus strand). VCF-style: chrX-63697264-C-A. GRCh37 (hg19) VCF-style: chrX-62917144-C-A.
Other names: c.263G>T, p.Ser88Ile (NM_001173479.2); c.116G>T, p.Ser39Ile (NM_001173480.2, NM_001369042.1); c.359G>T, p.Ser120Ile (NM_001330495.2, NM_001353927.2, NM_001369033.1 and 8 more transcripts); c.443G>T, p.Ser148Ile (NM_001353922.2); c.461G>T, p.Ser154Ile (NM_001353923.1); c.242G>T, p.Ser81Ile (NM_001353924.2, NM_001353926.2, NM_001369039.1 and 1 more transcripts); c.422G>T, p.Ser141Ile (NM_001353928.2, NM_001369030.1, NM_001369031.1 and 2 more transcripts); c.8G>T, p.Ser3Ile (NM_001369045.1); short protein forms S120I, S141I, S148I, S154I, S39I, S3I, S81I, S88I.
Identifiers: ClinVar variation 4891298 (VCV004891298.1).